The following is an entry in ClinVar:

NM_004519.4(KCNQ3):c.*1407A>C

Gene: KCNQ3 (potassium voltage-gated channel subfamily Q member 3; minus strand). Cytogenetic location: 8q24.22.
Variant type: single nucleotide variant.
Coding change: c.*1407A>C on transcript NM_004519.4 (MANE Select); 1407 bases downstream of the stop codon, A replaced by C.
Molecular consequence: 3 prime UTR variant.
Genome position (GRCh38, 1-based): chr8:132,127,855, T>G on the plus strand (A>C on the coding strand, the complement: KCNQ3 is on the minus strand). VCF-style: chr8-132127855-T-G. GRCh37 (hg19) VCF-style: chr8-133140102-T-G.
Other names: c.*1407A>C (NM_001204824.2).
Identifiers: ClinVar variation 361851 (VCV000361851.6), dbSNP rs76570743, ClinGen allele CA10624781.
Genomic context (GRCh38, chr8:132,127,855, plus strand): 5'-AGAGGATGGCTTGTGCTTAATATCACACCTGTACAGTAGGGCAGTGCTTCCCAGGCTGTC[T>G]GCTTACATTTTAGCTTGTCTTACGGTTACATATGGTTTTAGTATTTTCATTTAAAAAATC-3'

ClinVar aggregate classification (germline): Benign (1 of 4 stars; one submission).

Conditions:
Seizures, benign familial neonatal, 2. Also called: CONVULSIONS, BENIGN FAMILIAL NEONATAL, 2; KCNQ3-Related Self-Limited Familial Neonatal Epilepsy (SLFNE); Benign Neonatal Epilepsy 2; KCNQ3-Related Benign Familial Neonatal Epilepsy; Seizures, benign neonatal, 2. Identifiers: Orphanet 1949, MedGen C1852581, MONDO:0007366, OMIM 121201.

Allele frequency attached by ClinVar (database versions not stated): 1000 Genomes Project 30x 0.02483; TOPMed 0.02247; gnomAD 0.02131 and 0.01990; 1000 Genomes Project 0.02236.

Submission:

Illumina Laboratory Services, Illumina
Classification: Benign for Seizures, benign familial neonatal, 2. Last evaluated: 2018-01-13. Review status: criteria provided, single submitter. Criteria: ICSL Variant Classification Criteria 13 December 2019. Collection method: clinical testing. Allele origin: germline.
Comment: This variant was observed in the ICSL laboratory as part of a predisposition screen in an ostensibly healthy population. It had not been previously curated by ICSL or reported in the Human Gene Mutation Database (HGMD: prior to June 1st, 2018), and was therefore a candidate for classification through an automated scoring system. Utilizing variant allele frequency, disease prevalence and penetrance estimates, and inheritance mode, an automated score was calculated to assess if this variant is too frequent to cause the disease. Based on the score and internal cut-off values, a variant classified as benign is not then subjected to further curation. The score for this variant resulted in a classification of benign for this disease.